The following is an entry in ClinVar:

NM_000551.4(VHL):c.209A>T (p.Glu70Val)

Gene: VHL (von Hippel-Lindau tumor suppressor; plus strand). Cytogenetic location: 3p25.3.
Variant type: single nucleotide variant.
Coding change: c.209A>T on transcript NM_000551.4 (MANE Select); coding-DNA position 209, A replaced by T.
Protein change: p.Glu70Val; replaces glutamic acid 70 with valine.
Molecular consequence: missense variant. On other transcripts: non-coding transcript variant (1).
Genome position (GRCh38, 1-based): chr3:10,142,056, A>T. VCF-style: chr3-10142056-A-T. GRCh37 (hg19) VCF-style: chr3-10183740-A-T.
Other names: c.209A>T, p.Glu70Val (NM_001354723.2, NM_198156.3); short protein forms E70V.
Identifiers: ClinVar variation 3232214 (VCV003232214.1), dbSNP rs786202857, ClinGen allele CA351748982.

ClinVar aggregate classification (germline): Uncertain significance (1 of 4 stars; one submission).

Conditions:
Hereditary cancer-predisposing syndrome. Also called: Neoplastic Syndromes, Hereditary; Tumor predisposition; Hereditary neoplastic syndrome; Hereditary Cancer Syndrome. Identifiers: Orphanet 140162, MedGen C0027672, MeSH D009386, MONDO:0015356.

Submission:

Ambry Genetics
Classification: Uncertain significance for Hereditary cancer-predisposing syndrome. Last evaluated: 2023-09-28. Review status: criteria provided, single submitter. Criteria: Ambry Variant Classification Scheme 2023. Collection method: clinical testing. Allele origin: germline.
Comment: The p.E70V variant (also known as c.209A>T), located in coding exon 1 of the VHL gene, results from an A to T substitution at nucleotide position 209. The glutamic acid at codon 70 is replaced by valine, an amino acid with dissimilar properties. This amino acid position is well conserved in available vertebrate species. In addition, this alteration is predicted to be deleterious by in silico analysis. Since supporting evidence is limited at this time, the clinical significance of this alteration remains unclear.